The following is an entry in ClinVar:

NM_000268.4(NF2):c.1689T>A (p.Asn563Lys)

Gene: NF2 (NF2, moesin-ezrin-radixin like (MERLIN) tumor suppressor; plus strand). Cytogenetic location: 22q12.2.
Variant type: single nucleotide variant.
Coding change: c.1689T>A on transcript NM_000268.4 (MANE Select); coding-DNA position 1689, T replaced by A.
Protein change: p.Asn563Lys; replaces asparagine 563 with lysine.
Molecular consequence: missense variant. On other transcripts: intron variant (3).
Genome position (GRCh38, 1-based): chr22:29,681,553, T>A. VCF-style: chr22-29681553-T-A. GRCh37 (hg19) VCF-style: chr22-30077542-T-A.
Other names: c.1566T>A, p.Asn522Lys (NM_001407058.1, NM_001407054.1, NM_181829.3); c.1554T>A, p.Asn518Lys (NM_001407059.1, NM_001407057.1); c.1431T>A, p.Asn477Lys (NM_001407062.1); c.1440T>A, p.Asn480Lys (NM_001407063.1, NM_181830.3, NM_181831.3); c.1155T>A, p.Asn385Lys (NM_001407065.1); c.1689T>A, p.Asn563Lys (NM_001407066.1, NM_016418.5, NM_181825.3 and 1 more transcripts); c.1458T>A, p.Asn486Lys (NM_001407067.1); c.1575T>A, p.Asn525Lys (NM_001407053.1, NM_001407056.1); and 4 more; short protein forms N385K, N486K, N518K, N525K, N521K, N477K, N480K, N522K.
Identifiers: ClinVar variation 3919119 (VCV003919119.2).

ClinVar aggregate classification (germline): Uncertain significance. Review status: criteria provided, multiple submitters, no conflicts (2 of 4 stars). 2 submissions from 2 submitters: Uncertain significance (2). Last evaluated 2025-06-07.

Conditions:
Neurofibromatosis, type 2 (SWNV). Also called: NF2-Related Schwannomatosis; BILATERAL ACOUSTIC NEUROFIBROMATOSIS; SCHWANNOMATOSIS, VESTIBULAR. Identifiers: Orphanet 637, MedGen C0027832, MONDO:0007039, OMIM 101000. Disease mechanism: loss of function.
Hereditary cancer-predisposing syndrome. Also called: Hereditary neoplastic syndrome; Neoplastic Syndromes, Hereditary; Hereditary Cancer Syndrome; Tumor predisposition. Identifiers: Orphanet 140162, MedGen C0027672, MeSH D009386, MONDO:0015356.

Submissions (2):

Ambry Genetics
Classification: Uncertain significance for Hereditary cancer-predisposing syndrome. Last evaluated: 2025-06-07. Review status: criteria provided, single submitter. Criteria: Ambry Variant Classification Scheme 2023. Collection method: clinical testing. Allele origin: germline.
Comment: The p.N563K variant (also known as c.1689T>A), located in coding exon 15 of the NF2 gene, results from a T to A substitution at nucleotide position 1689. The asparagine at codon 563 is replaced by lysine, an amino acid with similar properties. This amino acid position is conserved. In addition, this alteration is predicted to be tolerated by in silico analysis. Based on the available evidence, the clinical significance of this variant remains unclear.

Labcorp Genetics (formerly Invitae), Labcorp
Classification: Uncertain significance for Neurofibromatosis, type 2. Last evaluated: 2025-03-24. Review status: criteria provided, single submitter. Criteria: Invitae Variant Classification Sherloc (09022015). Collection method: clinical testing. Allele origin: germline.
Comment: This sequence change replaces asparagine, which is neutral and polar, with lysine, which is basic and polar, at codon 563 of the NF2 protein (p.Asn563Lys). This variant is not present in population databases (gnomAD no frequency). This variant has not been reported in the literature in individuals affected with NF2-related conditions. Invitae Evidence Modeling of protein sequence and biophysical properties (such as structural, functional, and spatial information, amino acid conservation, physicochemical variation, residue mobility, and thermodynamic stability) indicates that this missense variant is not expected to disrupt NF2 protein function with a negative predictive value of 80%. In summary, the available evidence is currently insufficient to determine the role of this variant in disease. Therefore, it has been classified as a Variant of Uncertain Significance.